The following is an entry in ClinVar:

NM_000441.2(SLC26A4):c.164+1del

Gene: SLC26A4 (solute carrier family 26 member 4; plus strand). Cytogenetic location: 7q22.3.
Variant type: Deletion.
Coding change: c.164+1del on transcript NM_000441.2 (MANE Select); the canonical splice donor site of the intron after coding-DNA position 164, one base deleted (G; older notation c.164+1delG).
Molecular consequence: splice donor variant.
Genome position (GRCh38, 1-based): chr7:107,661,806, G deleted; the last of 2 consecutive G bases (chr7:107,661,805-107,661,806); deleting either gives the same sequence. VCF-style (leftmost placement, unchanged base first): chr7-107661804-AG-A. GRCh37 (hg19) VCF-style: chr7-107302249-AG-A.
Other names: c.164+1delG (NM_000441.1); c.164del (NM_000441.2).
Identifiers: ClinVar variation 188838 (VCV000188838.27), dbSNP rs786204504, ClinGen allele CA274019.

ClinVar aggregate classification (germline): Pathogenic/Likely pathogenic. Review status: criteria provided, multiple submitters, no conflicts (2 of 4 stars). 11 submissions from 11 submitters: Pathogenic (8); Likely pathogenic (1). 2 of the submissions do not count toward it. Last evaluated 2024-04-29.

Conditions:
SLC26A4-related disorder. Also called: SLC26A4-related condition; SLC26A4-related disorders.
Pendred syndrome (PDS). Also called: Pendred's syndrome; DEAFNESS WITH GOITER; GOITER-DEAFNESS SYNDROME; HYPOTHYROIDISM, CONGENITAL, DUE TO DYSHORMONOGENESIS, 2B; Pendred Syndrome (PDS); THYROID DYSHORMONOGENESIS 2B. Identifiers: Orphanet 705, MedGen C0271829, MONDO:0010134, OMIM 274600.
Autosomal recessive nonsyndromic hearing loss 4 (DFNB4). Also called: Enlarged vestibular aqueduct, digenic; DEAFNESS, AUTOSOMAL RECESSIVE 4, WITH ENLARGED VESTIBULAR AQUEDUCT, DIGENIC; Nonsyndromic enlarged vestibular aqueduct (NSEVA); Deafness, autosomal recessive 4, with enlarged vestibular aqueduct; Deafness, autosomal recessive 4; FOXI1-Related Pendred Syndrome. Identifiers: Orphanet 90636, MedGen C3538946, MONDO:0010933, OMIM 600791.

Submissions (11):

Natera, Inc.
Classification: Pathogenic for Pendred syndrome. Last evaluated: 2024-04-29. Review status: criteria provided, single submitter. Criteria: Natera Variant Classification Schema (03/2026). Collection method: clinical testing. Allele origin: germline.
Comment: The c.164+1delG variant in SLC26A4 is a canonical splice donor site variant predicted to affect pre-mRNA splicing, which may result in an abnormal transcript and altered protein product. This variant is expected to result in nonsense mediated decay, truncation, or a dysfunctional protein product. This variant is rare in the general population with a frequency below the threshold expected for the associated phenotype(s). This variant has been observed in one or more individuals affected with the associated recessive disease, as either homozygous or compound heterozygous with a second variant (PMID: 33152970). Given the available evidence, this variant is classified as Pathogenic.

Fulgent Genetics
Classification: Pathogenic for Pendred syndrome; Autosomal recessive nonsyndromic hearing loss 4. Last evaluated: 2023-12-28. Review status: criteria provided, single submitter. Criteria: ACMG Guidelines, 2015. Collection method: clinical testing. Allele origin: germline.

Clinical Genetics Laboratory, Skane University Hospital Lund
Classification: Pathogenic. Last evaluated: 2023-09-25. Review status: criteria provided, single submitter. Criteria: ACMG Guidelines, 2015. Collection method: clinical testing. Allele origin: germline. Affected: yes.

3billion
Classification: Pathogenic for Pendred syndrome. Last evaluated: 2023-08-01. Review status: criteria provided, single submitter. Criteria: ACMG Guidelines, 2015. Collection method: clinical testing. Allele origin: germline. Affected: yes.
Comment: The variant is not observed in the gnomAD v2.1.1 dataset. Predicted Consequence/Location: Frameshift: predicted to result in a loss or disruption of normal protein function through nonsense-mediated decay (NMD) or protein truncation. Multiple pathogenic variants are reported downstream of the variant. The variant has been reported at least twice as pathogenic with clinical assertions and evidence for the classification (ClinVar ID: VCV000188838 /PMID: 22717225). Therefore, this variant is classified as Pathogenic according to the recommendation of ACMG/AMP guideline.

Baylor Genetics
Classification: Pathogenic for Autosomal recessive nonsyndromic hearing loss 4. Last evaluated: 2023-02-22. Review status: criteria provided, single submitter. Criteria: ACMG Guidelines, 2015. Collection method: clinical testing. Allele origin: unknown.

Genome-Nilou Lab
Classification: Likely pathogenic for Pendred syndrome. Last evaluated: 2021-09-05. Review status: criteria provided, single submitter. Criteria: ACMG Guidelines, 2015. Collection method: clinical testing. Allele origin: germline. Affected: no.

Labcorp Genetics (formerly Invitae), Labcorp
Classification: Pathogenic. Last evaluated: 2021-05-14. Review status: criteria provided, single submitter. Criteria: Invitae Variant Classification Sherloc (09022015). Collection method: clinical testing. Allele origin: germline.
Comment: Algorithms developed to predict the effect of sequence changes on RNA splicing suggest that this variant may disrupt the consensus splice site, but this prediction has not been confirmed by published transcriptional studies. This variant has been observed in individual(s) with clinical features of Pendred syndrome (PMID: 22717225, 27861301). In at least one individual the data is consistent with the variant being in trans (on the opposite chromosome) from a pathogenic variant. This variant is also known as IVS2+1delG. ClinVar contains an entry for this variant (Variation ID: 188838). The frequency data for this variant in the population databases is considered unreliable, as metrics indicate insufficient coverage at this position in the ExAC database. This sequence change creates a premature translational stop signal (p.Ser55Ilefs*11) in the SLC26A4 gene. It is expected to result in an absent or disrupted protein product. Loss-of-function variants in SLC26A4 are known to be pathogenic (PMID: 16283880, 25394566, 26252218, 26445815). For these reasons, this variant has been classified as Pathogenic.

Blueprint Genetics
Classification: Pathogenic for SLC26A4-related disorders. Last evaluated: 2020-03-18. Review status: criteria provided, single submitter. Criteria: ACMG Guidelines, 2015. Collection method: clinical testing. Allele origin: germline. Affected: yes. Observed: 1 variant allele.

Institute for Medical Genetics and Human Genetics, Charité - Universitätsmedizin Berlin
Classification: Pathogenic for Autosomal recessive nonsyndromic hearing loss 4. Review status: criteria provided, single submitter. Criteria: ACMG Guidelines, 2015. Collection method: not provided. Allele origin: germline. Inheritance: Autosomal recessive inheritance. Affected: yes.

Zotz-Klimas Genetics Lab, MVZ Zotz Klimas
Classification: Pathogenic for Autosomal recessive nonsyndromic hearing loss 4. Last evaluated: 2023-10-09. Review status: no assertion criteria provided. Collection method: clinical testing. Allele origin: germline. Affected: yes. Not counted in ClinVar's aggregate classification.

Counsyl
Classification: Likely pathogenic for Pendred's syndrome. Last evaluated: 2014-06-19. Review status: no assertion criteria provided. Collection method: literature only. Allele origin: unknown. Inheritance: Autosomal recessive inheritance. Not counted in ClinVar's aggregate classification.

Literature cited by the submitters: PubMed 33152970 (cited by Natera, Inc.); PubMed 22717225 (cited by 3 submitters); PubMed 27861301 (cited by Labcorp Genetics (formerly Invitae), Labcorp); PubMed 16283880 (cited by Labcorp Genetics (formerly Invitae), Labcorp); PubMed 25394566 (cited by Labcorp Genetics (formerly Invitae), Labcorp); PubMed 26252218 (cited by Labcorp Genetics (formerly Invitae), Labcorp); PubMed 26445815 (cited by Labcorp Genetics (formerly Invitae), Labcorp); PubMed 23918157 (cited by Counsyl).